The following is an entry in ClinVar:

ClinVar aggregate classification (germline): Uncertain significance. Review status: criteria provided, multiple submitters, no conflicts (2 of 4 stars). 2 submissions from 2 submitters: Uncertain significance (2). Last evaluated 2025-06-17.

Conditions:
Hereditary cancer-predisposing syndrome. Also called: Tumor predisposition; Hereditary Cancer Syndrome; Neoplastic Syndromes, Hereditary; Hereditary neoplastic syndrome. Identifiers: Orphanet 140162, MedGen C0027672, MeSH D009386, MONDO:0015356.
Multiple endocrine neoplasia, type 1 (MEN1). Also called: MEN I; WERMER SYNDROME; Endocrine adenomatosis multiple; MEN 1; MEA I. Identifiers: Orphanet 652, MedGen C0025267, MeSH D018761, MONDO:0007540, OMIM 131100.

Submissions (2):

Ambry Genetics
Classification: Uncertain significance for Hereditary cancer-predisposing syndrome. Last evaluated: 2025-06-17. Review status: criteria provided, single submitter. Criteria: Ambry Variant Classification Scheme 2023. Collection method: clinical testing. Allele origin: germline.
Comment: The p.A464E variant (also known as c.1391C>A), located in coding exon 9 of the MEN1 gene, results from a C to A substitution at nucleotide position 1391. The alanine at codon 464 is replaced by glutamic acid, an amino acid with dissimilar properties. This amino acid position is not well conserved in available vertebrate species. In addition, the in silico prediction for this alteration is inconclusive. Based on the available evidence, the clinical significance of this variant remains unclear.

Labcorp Genetics (formerly Invitae), Labcorp
Classification: Uncertain significance for Multiple endocrine neoplasia, type 1. Last evaluated: 2022-04-07. Review status: criteria provided, single submitter. Criteria: Invitae Variant Classification Sherloc (09022015). Collection method: clinical testing. Allele origin: germline.
Comment: In summary, the available evidence is currently insufficient to determine the role of this variant in disease. Therefore, it has been classified as a Variant of Uncertain Significance. Advanced modeling of protein sequence and biophysical properties (such as structural, functional, and spatial information, amino acid conservation, physicochemical variation, residue mobility, and thermodynamic stability) performed at Invitae indicates that this missense variant is not expected to disrupt MEN1 protein function. This variant has not been reported in the literature in individuals affected with MEN1-related conditions. This variant is not present in population databases (gnomAD no frequency). This sequence change replaces alanine, which is neutral and non-polar, with glutamic acid, which is acidic and polar, at codon 464 of the MEN1 protein (p.Ala464Glu).

NM_001370259.2(MEN1):c.1391C>A (p.Ala464Glu)

Gene: MEN1 (menin 1; minus strand). Cytogenetic location: 11q13.1.
Variant type: single nucleotide variant.
Coding change: c.1391C>A on transcript NM_001370259.2 (MANE Select); coding-DNA position 1391, C replaced by A.
Protein change: p.Ala464Glu; replaces alanine 464 with glutamic acid.
Molecular consequence: missense variant.
Genome position (GRCh38, 1-based): chr11:64,804,776, G>T on the plus strand (C>A on the coding strand, the complement: MEN1 is on the minus strand). VCF-style: chr11-64804776-G-T. GRCh37 (hg19) VCF-style: chr11-64572248-G-T.
Other names: c.1391C>A, p.Ala464Glu (NM_001370261.2, NM_001407146.1, NM_001407147.1 and 2 more transcripts); c.1286C>A, p.Ala429Glu (NM_001370262.2, NM_001370263.2, NM_001407148.1 and 1 more transcripts); c.1517C>A, p.Ala506Glu (NM_001407142.1, NM_001407143.1, NM_001407144.1 and 1 more transcripts); c.1406C>A, p.Ala469Glu (NM_001407145.1, NM_130800.3, NM_130801.3 and 4 more transcripts); c.1532C>A, p.Ala511Glu (NM_001407150.1); c.1412C>A, p.Ala471Glu (NM_001407151.1); c.1226C>A, p.Ala409Glu (NM_001407152.1); short protein forms A409E, A469E, A511E, A429E, A471E, A464E, A506E.
Identifiers: ClinVar variation 2122483 (VCV002122483.7), dbSNP rs778728934, ClinGen allele CA381179705.